The following is an entry in ClinVar:

NM_002519.3(NPAT):c.1996G>A (p.Val666Ile)

Gene: NPAT (nuclear protein, coactivator of histone transcription; minus strand). Cytogenetic location: 11q22.3.
Variant type: single nucleotide variant.
Coding change: c.1996G>A on transcript NM_002519.3 (MANE Select); coding-DNA position 1996, G replaced by A.
Protein change: p.Val666Ile; replaces valine 666 with isoleucine.
Molecular consequence: missense variant.
Genome position (GRCh38, 1-based): chr11:108,172,988, C>T on the plus strand (G>A on the coding strand, the complement: NPAT is on the minus strand). VCF-style: chr11-108172988-C-T. GRCh37 (hg19) VCF-style: chr11-108043715-C-T.
Other names: c.1996G>A, p.Val666Ile (NM_001321307.1); short protein forms V666I.
Identifiers: ClinVar variation 3407263 (VCV003407263.2).

ClinVar aggregate classification (germline): Uncertain significance. Review status: criteria provided, multiple submitters, no conflicts (2 of 4 stars). 2 submissions from 2 submitters: Uncertain significance (2). Last evaluated 2026-02-03.

gnomAD v4.1: 1 of 1,614,104 alleles (0.000062%); highest among the groups gnomAD compares: Non-Finnish European, 0.000085%; no homozygotes.

Submissions (2):

Labcorp Genetics (formerly Invitae), Labcorp
Classification: Uncertain significance. Last evaluated: 2026-02-03. Review status: criteria provided, single submitter. Criteria: Invitae Variant Classification Sherloc (09022015). Collection method: clinical testing. Allele origin: germline.
Comment: This sequence change replaces valine, which is neutral and non-polar, with isoleucine, which is neutral and non-polar, at codon 666 of the NPAT protein (p.Val666Ile). This variant is not present in population databases (gnomAD no frequency). This variant has not been reported in the literature in individuals affected with NPAT-related conditions. ClinVar contains an entry for this variant (Variation ID: 3407263). An algorithm developed to predict the effect of missense changes on protein structure and function outputs the following: PolyPhen-2: "Benign". The isoleucine amino acid residue is found in multiple mammalian species, which suggests that this missense change does not adversely affect protein function. In summary, the available evidence is currently insufficient to determine the role of this variant in disease. Therefore, it has been classified as a Variant of Uncertain Significance.

Ambry Genetics
Classification: Uncertain significance. Last evaluated: 2024-11-01. Review status: criteria provided, single submitter. Criteria: Ambry Variant Classification Scheme 2023. Collection method: clinical testing. Allele origin: germline.
Comment: The p.V666I variant (also known as c.1996G>A), located in coding exon 13 of the NPAT gene, results from a G to A substitution at nucleotide position 1996. The valine at codon 666 is replaced by isoleucine, an amino acid with highly similar properties. This amino acid position is conserved. In addition, this alteration is predicted to be tolerated by in silico analysis. Based on the available evidence, the clinical significance of this variant remains unclear.